The following is an entry in ClinVar:

NM_004380.3(CREBBP):c.4674AGA[2] (p.Glu1562del)

Gene: CREBBP (CREB binding lysine acetyltransferase; minus strand). Cytogenetic location: 16p13.3.
Variant type: Microsatellite.
Coding change: c.4674AGA[2] on transcript NM_004380.3 (MANE Select); two copies in a row of the 3-base unit AGA starting at c.4674; the reference has three copies in a row; one copy, 3 bases deleted.
Protein change: p.Glu1562del; deletes glutamic acid 1562.
Molecular consequence: inframe deletion.
Genome position (GRCh38, 1-based): chr16:3,736,082-3,736,084, TCT deleted on the plus strand (AGA on the coding strand, the reverse complement: CREBBP is on the minus strand); deleting any 3 consecutive bases within chr16:3,736,082-3,736,091 gives the same sequence; the position shown is the placement nearest the transcript's 3' end. VCF-style (leftmost placement, unchanged base first): chr16-3736081-CTCT-C. GRCh37 (hg19) VCF-style: chr16-3786082-CTCT-C.
Other names: c.4560AGA[2], p.Glu1524del (NM_001079846.1); short protein forms E1562del, E1524del.
Identifiers: ClinVar variation 3002729 (VCV003002729.3), dbSNP rs754552597, ClinGen allele CA7869468.

ClinVar aggregate classification (germline): Uncertain significance (1 of 4 stars; one submission).

Conditions:
Rubinstein-Taybi syndrome (RSTS). Identifiers: Orphanet 783, MedGen C0035934, MONDO:0019188.

Submission:

Labcorp Genetics (formerly Invitae), Labcorp
Classification: Uncertain significance for Rubinstein-Taybi syndrome. Last evaluated: 2024-03-10. Review status: criteria provided, single submitter. Criteria: Invitae Variant Classification Sherloc (09022015). Collection method: clinical testing. Allele origin: germline.
Comment: This variant, c.4680_4682del, results in the deletion of 1 amino acid(s) of the CREBBP protein (p.Glu1562del), but otherwise preserves the integrity of the reading frame. This variant is present in population databases (rs754552597, gnomAD 0.008%). This variant has not been reported in the literature in individuals affected with CREBBP-related conditions. Experimental studies and prediction algorithms are not available or were not evaluated, and the functional significance of this variant is currently unknown. In summary, the available evidence is currently insufficient to determine the role of this variant in disease. Therefore, it has been classified as a Variant of Uncertain Significance.